The following is an entry in ClinVar:

ClinVar aggregate classification (germline): Likely benign. Review status: criteria provided, single submitter (1 of 4 stars). 2 submissions from 2 submitters: Likely benign (1). 1 of the submissions does not count toward it. Last evaluated 2019-12-31.

Conditions:
MYCBP2-related disorder. Also called: MYCBP2-related condition.

Allele frequency attached by ClinVar (database versions not stated): ExAC 0.00014; gnomAD exomes 0.00014; ESP Exome Variant Server 0.00015; TOPMed 0.00015; gnomAD 0.00016.
gnomAD v4.1: 227 of 1,612,756 alleles (0.014%); highest among the groups gnomAD compares: Non-Finnish European, 0.017%; no homozygotes.

Submissions (2):

Labcorp Genetics (formerly Invitae), Labcorp
Classification: Likely benign. Last evaluated: 2019-12-31. Review status: criteria provided, single submitter. Criteria: Invitae Variant Classification Sherloc (09022015). Collection method: clinical testing. Allele origin: germline.

PreventionGenetics, part of Exact Sciences
Classification: Likely benign for MYCBP2-related condition. Last evaluated: 2019-11-04. Review status: no assertion criteria provided. Collection method: clinical testing. Allele origin: germline. Not counted in ClinVar's aggregate classification.
Comment: This variant is classified as likely benign based on ACMG/AMP sequence variant interpretation guidelines (Richards et al. 2015 PMID: 25741868, with internal and published modifications).

NM_015057.5(MYCBP2):c.10692A>C (p.Leu3564=)

Gene: MYCBP2 (MYC binding protein 2; minus strand). Cytogenetic location: 13q22.3.
Variant type: single nucleotide variant.
Coding change: c.10692A>C on transcript NM_015057.5 (MANE Select); coding-DNA position 10692, A replaced by C.
Protein change: p.Leu3564=; no amino-acid change (leucine 3564 retained).
Molecular consequence: synonymous variant.
Genome position (GRCh38, 1-based): chr13:77,088,865, T>G on the plus strand (A>C on the coding strand, the complement: MYCBP2 is on the minus strand). VCF-style: chr13-77088865-T-G. GRCh37 (hg19) VCF-style: chr13-77663000-T-G.
Identifiers: ClinVar variation 723323 (VCV000723323.6), dbSNP rs374982453, ClinGen allele CA7008289.